The following is an entry in ClinVar:

ClinVar aggregate classification (germline): Uncertain significance (1 of 4 stars; one submission).

Allele frequency attached by ClinVar (database versions not stated): TOPMed below 0.00001.

Submission:

Labcorp Genetics (formerly Invitae), Labcorp
Classification: Uncertain significance. Last evaluated: 2023-02-16. Review status: criteria provided, single submitter. Criteria: Invitae Variant Classification Sherloc (09022015). Collection method: clinical testing. Allele origin: germline.
Comment: This sequence change replaces leucine, which is neutral and non-polar, with valine, which is neutral and non-polar, at codon 1766 of the POLE protein (p.Leu1766Val). This variant is not present in population databases (gnomAD no frequency). This variant has not been reported in the literature in individuals affected with POLE-related conditions. An algorithm developed to predict the effect of missense changes on protein structure and function (PolyPhen-2) suggests that this variant is likely to be tolerated. In summary, the available evidence is currently insufficient to determine the role of this variant in disease. Therefore, it has been classified as a Variant of Uncertain Significance.

NM_006231.4(POLE):c.5296C>G (p.Leu1766Val)

Gene: POLE (DNA polymerase epsilon, catalytic subunit; minus strand). Cytogenetic location: 12q24.33.
Variant type: single nucleotide variant.
Coding change: c.5296C>G on transcript NM_006231.4 (MANE Select); coding-DNA position 5296, C replaced by G.
Protein change: p.Leu1766Val; replaces leucine 1766 with valine.
Molecular consequence: missense variant.
Genome position (GRCh38, 1-based): chr12:132,641,729, G>C on the plus strand (C>G on the coding strand, the complement: POLE is on the minus strand). VCF-style: chr12-132641729-G-C. GRCh37 (hg19) VCF-style: chr12-133218315-G-C.
Other names: short protein forms L1766V.
Identifiers: ClinVar variation 2911101 (VCV002911101.3), dbSNP rs2042147086, ClinGen allele CA387376095.